The following is an entry in ClinVar:

NM_001330195.2(NRXN3):c.252C>T (p.Arg84=)

Gene: NRXN3 (neurexin 3; plus strand). Cytogenetic location: 14q24.3.
Variant type: single nucleotide variant.
Coding change: c.252C>T on transcript NM_001330195.2 (MANE Select); coding-DNA position 252, C replaced by T.
Protein change: p.Arg84=; no amino-acid change (arginine 84 retained).
Molecular consequence: synonymous variant. On other transcripts: non-coding transcript variant (4).
Genome position (GRCh38, 1-based): chr14:78,243,345, C>T. VCF-style: chr14-78243345-C-T. GRCh37 (hg19) VCF-style: chr14-78709688-C-T.
Other names: c.252C>T, p.Arg84= (NM_001366425.1, NM_001366426.1).
Identifiers: ClinVar variation 3039208 (VCV003039208.2), dbSNP rs531244597, ClinGen allele CA7291303.

ClinVar aggregate classification (germline): Likely benign (0 of 4 stars; one submission).

Conditions:
NRXN3-related disorder. Also called: NRXN3-related condition.

Allele frequency attached by ClinVar (database versions not stated): 1000 Genomes Project 0.00060; 1000 Genomes Project 30x 0.00062; TOPMed 0.00063; gnomAD 0.00068; gnomAD exomes 0.00084; ExAC 0.00306.
gnomAD v4.1: 1,280 of 1,560,028 alleles (0.082%); highest among the groups gnomAD compares: South Asian, 0.54%; 6 homozygotes.

Submission:

PreventionGenetics, part of Exact Sciences
Classification: Likely benign for NRXN3-related condition. Last evaluated: 2019-05-21. Review status: no assertion criteria provided. Collection method: clinical testing. Allele origin: germline.
Comment: This variant is classified as likely benign based on ACMG/AMP sequence variant interpretation guidelines (Richards et al. 2015 PMID: 25741868, with internal and published modifications).